The following is an entry in ClinVar:

ClinVar aggregate classification (germline): Uncertain significance (0 of 4 stars; one submission).

Conditions:
PLXNA1-related disorder. Also called: PLXNA1-related condition.

Submission:

PreventionGenetics, part of Exact Sciences
Classification: Uncertain significance for PLXNA1-related condition. Last evaluated: 2024-02-14. Review status: no assertion criteria provided. Collection method: clinical testing. Allele origin: germline.
Comment: The PLXNA1 c.3206C>T variant is predicted to result in the amino acid substitution p.Thr1069Ile. To our knowledge, this variant has not been reported in the literature or in gnomAD, indicating this variant is rare. At this time, the clinical significance of this variant is uncertain due to the absence of conclusive functional and genetic evidence.

NM_032242.4(PLXNA1):c.3206C>T (p.Thr1069Ile)

Gene: PLXNA1 (plexin A1; plus strand). Cytogenetic location: 3q21.3.
Variant type: single nucleotide variant.
Coding change: c.3206C>T on transcript NM_032242.4 (MANE Select); coding-DNA position 3206, C replaced by T.
Protein change: p.Thr1069Ile; replaces threonine 1069 with isoleucine.
Molecular consequence: missense variant.
Genome position (GRCh38, 1-based): chr3:127,016,967, C>T. VCF-style: chr3-127016967-C-T. GRCh37 (hg19) VCF-style: chr3-126735810-C-T.
Other names: short protein forms T1069I.
Identifiers: ClinVar variation 3354274 (VCV003354274.1).